The following is an entry in ClinVar:

ClinVar aggregate classification (somatic clinical impact): Tier II - Potential (1 of 4 stars; one submission).

Conditions:
Hemangioblastoma. Identifiers: Orphanet 252054, MedGen C0206734, MONDO:0016748, HP:0010797.

Submission:

Institute for Genomic Medicine (IGM) Clinical Laboratory, Nationwide Children's Hospital
Classification: Tier II - Potential for Hemangioblastoma. Assertion type: diagnostic. Clinical significance: supports diagnosis. Last evaluated: 2025-06-25. Review status: criteria provided, single submitter. Criteria: AMP/ASCO/CAP Guidelines, 2017. Collection method: clinical testing. Allele origin: somatic. Affected: yes.
Comment: Variant has Tier II (potential) clinical significance as a diagnostic inclusion criterion in hemangioblastoma, based on the following evidence: 1) Documented in one or more cancer databases (e.g., St. Jude Pecan, COSMIC, CIViC, OncoKB). 2) Diagnostic significance based on multiple small studies (Evidence Level C; PMIDs: 25728774, 33899768, 33729480, 33891857, 35355835, 36995941).

Literature cited by the submitters: PubMed 25728774; PubMed 33899768; PubMed 33729480; PubMed 33891857; PubMed 35355835; PubMed 36995941.

NM_002401.5(MAP3K3):c.1161A>C (p.Glu387Asp)

Gene: MAP3K3 (mitogen-activated protein kinase kinase kinase 3; plus strand). Cytogenetic location: 17q23.3.
Variant type: single nucleotide variant.
Coding change: c.1161A>C on transcript NM_002401.5 (MANE Select); coding-DNA position 1161, A replaced by C.
Protein change: p.Glu387Asp; replaces glutamic acid 387 with aspartic acid.
Molecular consequence: missense variant.
Genome position (GRCh38, 1-based): chr17:63,690,361, A>C. VCF-style: chr17-63690361-A-C. GRCh37 (hg19) VCF-style: chr17-61767721-A-C.
Other names: c.1149A>C, p.Glu383Asp (NM_001330431.2); c.1242A>C, p.Glu414Asp (NM_001363768.2); c.1254A>C, p.Glu418Asp (NM_203351.3); short protein forms E383D, E387D, E414D, E418D.
Identifiers: ClinVar variation 4530458 (VCV004530458.1).
Genomic context (GRCh38, chr17:63,690,361, plus strand): 5'-CCTGGGCCAGGGTGCCTTCGGCAGGGTCTATTTGTGCTATGACGTGGACACGGGACGTGA[A>C]CTTGCTTCCAAGCAGGTCCAATTTGATCCAGACAGTCCTGAGACAAGCAAGGTACACTTA-3'
Protein context (NP_002392.2, residues 377-397): YLCYDVDTGR[Glu387Asp]LASKQVQFDP